The following is an entry in ClinVar:

ClinVar aggregate classification (germline): Uncertain significance. Review status: criteria provided, multiple submitters, no conflicts (2 of 4 stars). 3 submissions from 3 submitters: Uncertain significance (3). Last evaluated 2025-08-22.

Conditions:
Inborn genetic diseases. Identifiers: MedGen C0950123, MeSH D030342.
Hereditary spastic paraplegia 39 (SPG39). Also called: SPASTIC PARAPLEGIA 39, AUTOSOMAL RECESSIVE; Spastic Paraplegia Type 39 (SPG39). Identifiers: Orphanet 139480, MedGen C2677586, MONDO:0012787, OMIM 612020.

Allele frequency attached by ClinVar (database versions not stated): ExAC 0.00005; TOPMed 0.00011; ESP Exome Variant Server 0.00015.

Submissions (3):

Ambry Genetics
Classification: Uncertain significance for Inborn genetic diseases. Last evaluated: 2025-08-22. Review status: criteria provided, single submitter. Criteria: Ambry Variant Classification Scheme 2023. Collection method: clinical testing. Allele origin: germline.

Labcorp Genetics (formerly Invitae), Labcorp
Classification: Uncertain significance for Hereditary spastic paraplegia 39. Last evaluated: 2024-09-06. Review status: criteria provided, single submitter. Criteria: Invitae Variant Classification Sherloc (09022015). Collection method: clinical testing. Allele origin: germline.
Comment: This sequence change replaces alanine, which is neutral and non-polar, with serine, which is neutral and polar, at codon 758 of the PNPLA6 protein (p.Ala758Ser). This variant is present in population databases (rs144206674, gnomAD 0.01%). This variant has not been reported in the literature in individuals affected with PNPLA6-related conditions. ClinVar contains an entry for this variant (Variation ID: 892640). Invitae Evidence Modeling of protein sequence and biophysical properties (such as structural, functional, and spatial information, amino acid conservation, physicochemical variation, residue mobility, and thermodynamic stability) has been performed for this missense variant. However, the output from this modeling did not meet the statistical confidence thresholds required to predict the impact of this variant on PNPLA6 protein function. In summary, the available evidence is currently insufficient to determine the role of this variant in disease. Therefore, it has been classified as a Variant of Uncertain Significance.

Illumina Laboratory Services, Illumina
Classification: Uncertain significance for Hereditary spastic paraplegia 39. Last evaluated: 2018-01-13. Review status: criteria provided, single submitter. Criteria: ICSL Variant Classification Criteria 13 December 2019. Collection method: clinical testing. Allele origin: germline.

NM_001166114.2(PNPLA6):c.2386G>T (p.Ala796Ser)

Gene: PNPLA6 (patatin like domain 6, lysophospholipase; plus strand). Cytogenetic location: 19p13.2.
Variant type: single nucleotide variant.
Coding change: c.2386G>T on transcript NM_001166114.2 (MANE Select); coding-DNA position 2386, G replaced by T.
Protein change: p.Ala796Ser; replaces alanine 796 with serine.
Molecular consequence: missense variant.
Genome position (GRCh38, 1-based): chr19:7,554,000, G>T. VCF-style: chr19-7554000-G-T. GRCh37 (hg19) VCF-style: chr19-7618886-G-T.
Other names: c.2416G>T, p.Ala806Ser (NM_001166111.2); c.2191G>T, p.Ala731Ser (NM_001166112.2); c.2272G>T, p.Ala758Ser (NM_001166113.1, NM_006702.5); short protein forms A731S, A758S, A796S, A806S.
Identifiers: ClinVar variation 892640 (VCV000892640.10), dbSNP rs144206674, ClinGen allele CA9140070.